The following is an entry in ClinVar:

NM_000064.4(C3):c.305G>A (p.Arg102His)

Gene: C3 (complement C3; minus strand). Cytogenetic location: 19p13.3.
Variant type: single nucleotide variant.
Coding change: c.305G>A on transcript NM_000064.4 (MANE Select); coding-DNA position 305, G replaced by A.
Protein change: p.Arg102His; replaces arginine 102 with histidine.
Molecular consequence: missense variant.
Genome position (GRCh38, 1-based): chr19:6,718,375, C>T on the plus strand (G>A on the coding strand, the complement: C3 is on the minus strand). VCF-style: chr19-6718375-C-T. GRCh37 (hg19) VCF-style: chr19-6718386-C-T.
Other names: short protein forms R102H.
Identifiers: ClinVar variation 1047027 (VCV001047027.8), dbSNP rs554587967, ClinGen allele CA9129848.

ClinVar aggregate classification (germline): Uncertain significance. Review status: criteria provided, multiple submitters, no conflicts (2 of 4 stars). 2 submissions from 2 submitters: Uncertain significance (2). Last evaluated 2025-04-07.

Conditions:
Age related macular degeneration 9. Identifiers: MedGen C1969651, MONDO:0012659, OMIM 611378.
Atypical hemolytic-uremic syndrome with C3 anomaly. Also called: AHUS, SUSCEPTIBILITY TO, 5. Identifiers: Orphanet 2134, MedGen C2752037, MONDO:0013043, OMIM 612925.
Complement component 3 deficiency. Identifiers: Orphanet 280133, MedGen C3151071, MONDO:0013417, OMIM 613779.

Allele frequency attached by ClinVar (database versions not stated): ExAC 0.00001; gnomAD exomes 0.00001; TOPMed 0.00002; gnomAD 0.00004 and 0.00005; 1000 Genomes Project 0.00020; 1000 Genomes Project 30x 0.00062.
gnomAD v4.1: 25 of 1,614,216 alleles (0.0015%); highest among the groups gnomAD compares: Middle Eastern, 0.016%; no homozygotes.

Submissions (2):

Labcorp Genetics (formerly Invitae), Labcorp
Classification: Uncertain significance. Last evaluated: 2025-04-07. Review status: criteria provided, single submitter. Criteria: Invitae Variant Classification Sherloc (09022015). Collection method: clinical testing. Allele origin: germline.
Comment: This sequence change replaces arginine, which is basic and polar, with histidine, which is basic and polar, at codon 102 of the C3 protein (p.Arg102His). This variant is present in population databases (rs554587967, gnomAD 0.005%). This variant has not been reported in the literature in individuals affected with C3-related conditions. ClinVar contains an entry for this variant (Variation ID: 1047027). Invitae Evidence Modeling of protein sequence and biophysical properties (such as structural, functional, and spatial information, amino acid conservation, physicochemical variation, residue mobility, and thermodynamic stability) indicates that this missense variant is not expected to disrupt C3 protein function with a negative predictive value of 80%. In summary, the available evidence is currently insufficient to determine the role of this variant in disease. Therefore, it has been classified as a Variant of Uncertain Significance.

Fulgent Genetics
Classification: Uncertain significance for Age related macular degeneration 9; Atypical hemolytic-uremic syndrome with C3 anomaly; Complement component 3 deficiency. Last evaluated: 2022-05-03. Review status: criteria provided, single submitter. Criteria: ACMG Guidelines, 2015. Collection method: clinical testing. Allele origin: unknown.